The following is an entry in ClinVar:

ClinVar aggregate classification (germline): Uncertain significance (1 of 4 stars; one submission).

Conditions:
Dyskeratosis congenita. Identifiers: Orphanet 1775, MedGen C0265965, MONDO:0015780.

Submission:

Labcorp Genetics (formerly Invitae), Labcorp
Classification: Uncertain significance for Dyskeratosis congenita. Last evaluated: 2019-01-16. Review status: criteria provided, single submitter. Criteria: Invitae Variant Classification Sherloc (09022015). Collection method: clinical testing. Allele origin: germline.
Comment: In summary, the available evidence is currently insufficient to determine the role of this variant in disease. Therefore, it has been classified as a Variant of Uncertain Significance. Algorithms developed to predict the effect of sequence changes on RNA splicing suggest that this variant may disrupt the consensus splice site, but this prediction has not been confirmed by published transcriptional studies. Algorithms developed to predict the effect of missense changes on protein structure and function are either unavailable or do not agree on the potential impact of this missense change (SIFT: "Deleterious"; PolyPhen-2: "Benign"; Align-GVGD: "Class C0"). This variant has not been reported in the literature in individuals with CTC1-related conditions. This variant is not present in population databases (ExAC no frequency). This sequence change replaces lysine with asparagine at codon 480 of the CTC1 protein (p.Lys480Asn). The lysine residue is highly conserved and there is a moderate physicochemical difference between lysine and asparagine.

NM_025099.6(CTC1):c.1440G>T (p.Lys480Asn)

Gene: CTC1 (CST telomere replication complex component 1; minus strand). Cytogenetic location: 17p13.1.
Variant type: single nucleotide variant.
Coding change: c.1440G>T on transcript NM_025099.6 (MANE Select); coding-DNA position 1440, G replaced by T.
Protein change: p.Lys480Asn; replaces lysine 480 with asparagine.
Molecular consequence: missense variant. On other transcripts: non-coding transcript variant (1).
Genome position (GRCh38, 1-based): chr17:8,234,926, C>A on the plus strand (G>T on the coding strand, the complement: CTC1 is on the minus strand). VCF-style: chr17-8234926-C-A. GRCh37 (hg19) VCF-style: chr17-8138244-C-A.
Other names: short protein forms K480N.
Identifiers: ClinVar variation 854658 (VCV000854658.9), dbSNP rs770798986, ClinGen allele CA397984424.